The following is an entry in ClinVar:

NM_001321075.3(DLG4):c.1646A>T (p.Asp549Val)

Gene: DLG4 (discs large MAGUK scaffold protein 4; minus strand). Cytogenetic location: 17p13.1.
Variant type: single nucleotide variant.
Coding change: c.1646A>T on transcript NM_001321075.3 (MANE Select); coding-DNA position 1646, A replaced by T.
Protein change: p.Asp549Val; replaces aspartic acid 549 with valine.
Molecular consequence: missense variant. On other transcripts: non-coding transcript variant (1).
Genome position (GRCh38, 1-based): chr17:7,193,530, T>A on the plus strand (A>T on the coding strand, the complement: DLG4 is on the minus strand). VCF-style: chr17-7193530-T-A. GRCh37 (hg19) VCF-style: chr17-7096849-T-A.
Other names: c.1637A>T, p.Asp546Val (NM_001128827.4); c.1766A>T, p.Asp589Val (NM_001321074.1); c.1466A>T, p.Asp489Val (NM_001321076.3, NM_001321077.3); c.1775A>T, p.Asp592Val (NM_001365.5); c.1565A>T, p.Asp522Val (NM_001369566.3); short protein forms D489V, D522V, D546V, D549V, D589V, D592V.
Identifiers: ClinVar variation 1712600 (VCV001712600.2), dbSNP rs2507922315, ClinGen allele CA397715091.

ClinVar aggregate classification (germline): Uncertain significance (1 of 4 stars; one submission).

Submission:

GeneDx
Classification: Uncertain significance. Last evaluated: 2022-04-29. Review status: criteria provided, single submitter. Criteria: GeneDx Variant Classification Process June 2021. Collection method: clinical testing. Allele origin: germline. Affected: yes.
Comment: Not observed at significant frequency in large population cohorts (gnomAD); In silico analysis supports that this missense variant has a deleterious effect on protein structure/function; Has not been previously published as pathogenic or benign to our knowledge